The following is an entry in ClinVar:

ClinVar aggregate classification (germline): Uncertain significance (1 of 4 stars; one submission).

Allele frequency attached by ClinVar (database versions not stated): gnomAD exomes below 0.00001; ExAC 0.00001; gnomAD 0.00001; TOPMed 0.00001.
gnomAD v4.1: 3 of 1,614,006 alleles (0.00019%); highest among the groups gnomAD compares: African/African-American, 0.004%; no homozygotes.

Submission:

Labcorp Genetics (formerly Invitae), Labcorp
Classification: Uncertain significance. Last evaluated: 2022-03-10. Review status: criteria provided, single submitter. Criteria: Invitae Variant Classification Sherloc (09022015). Collection method: clinical testing. Allele origin: germline.
Comment: This sequence change replaces asparagine, which is neutral and polar, with serine, which is neutral and polar, at codon 588 of the AGBL5 protein (p.Asn588Ser). This variant is present in population databases (rs777211683, gnomAD 0.007%). This variant has not been reported in the literature in individuals affected with AGBL5-related conditions. Algorithms developed to predict the effect of missense changes on protein structure and function are either unavailable or do not agree on the potential impact of this missense change (SIFT: "Deleterious"; PolyPhen-2: "Benign"; Align-GVGD: "Class C45"). In summary, the available evidence is currently insufficient to determine the role of this variant in disease. Therefore, it has been classified as a Variant of Uncertain Significance.

NM_021831.6(AGBL5):c.1763A>G (p.Asn588Ser)

Gene: AGBL5 (AGBL carboxypeptidase 5; plus strand). Cytogenetic location: 2p23.3.
Variant type: single nucleotide variant.
Coding change: c.1763A>G on transcript NM_021831.6 (MANE Select); coding-DNA position 1763, A replaced by G.
Protein change: p.Asn588Ser; replaces asparagine 588 with serine.
Molecular consequence: missense variant. On other transcripts: non-coding transcript variant (2).
Genome position (GRCh38, 1-based): chr2:27,058,491, A>G. VCF-style: chr2-27058491-A-G. GRCh37 (hg19) VCF-style: chr2-27281359-A-G.
Other names: c.1763A>G, p.Asn588Ser (NM_001035507.3); short protein forms N588S.
Identifiers: ClinVar variation 1365918 (VCV001365918.5), dbSNP rs777211683, ClinGen allele CA1567959.
Genomic context (GRCh38, chr2:27,058,491, plus strand): 5'-ACATGGCGGAATGTAATCCGTGGCCCCGAATTGTACTGTCAGAGCACAGCAGCCTTACTA[A>G]TCTACGGGCCTGGATGCTGAAACATGTACGCAACAGCCGAGGCCTAAGCAGCACTCTGAA-3'
Protein context (NP_068603.4, residues 578-598): IVLSEHSSLT[Asn588Ser]LRAWMLKHVR